The following is an entry in ClinVar:

NM_001142800.2(EYS):c.4639G>T (p.Asp1547Tyr)

Gene: EYS (EGF-like photoreceptor maintenance factor; minus strand). Cytogenetic location: 6q12.
Variant type: single nucleotide variant.
Coding change: c.4639G>T on transcript NM_001142800.2 (MANE Select); coding-DNA position 4639, G replaced by T.
Protein change: p.Asp1547Tyr; replaces aspartic acid 1547 with tyrosine.
Molecular consequence: missense variant.
Genome position (GRCh38, 1-based): chr6:64,591,228, C>A on the plus strand (G>T on the coding strand, the complement: EYS is on the minus strand). VCF-style: chr6-64591228-C-A. GRCh37 (hg19) VCF-style: chr6-65301121-C-A.
Other names: c.4639G>T, p.Asp1547Tyr (NM_001292009.2); short protein forms D1547Y.
Identifiers: ClinVar variation 1498010 (VCV001498010.8), dbSNP rs2149831943, ClinGen allele CA364782878.

ClinVar aggregate classification (germline): Uncertain significance (1 of 4 stars; one submission).

gnomAD v4.1: 1 of 1,551,402 alleles (0.000064%); highest among the groups gnomAD compares: South Asian, 0.0012%; no homozygotes.

Submission:

Labcorp Genetics (formerly Invitae), Labcorp
Classification: Uncertain significance. Last evaluated: 2023-11-27. Review status: criteria provided, single submitter. Criteria: Invitae Variant Classification Sherloc (09022015). Collection method: clinical testing. Allele origin: germline.
Comment: This sequence change replaces aspartic acid, which is acidic and polar, with tyrosine, which is neutral and polar, at codon 1547 of the EYS protein (p.Asp1547Tyr). This variant is not present in population databases (gnomAD no frequency). This variant has not been reported in the literature in individuals affected with EYS-related conditions. ClinVar contains an entry for this variant (Variation ID: 1498010). Advanced modeling of protein sequence and biophysical properties (such as structural, functional, and spatial information, amino acid conservation, physicochemical variation, residue mobility, and thermodynamic stability) has been performed at Invitae for this missense variant, however the output from this modeling did not meet the statistical confidence thresholds required to predict the impact of this variant on EYS protein function. In summary, the available evidence is currently insufficient to determine the role of this variant in disease. Therefore, it has been classified as a Variant of Uncertain Significance.